The following is an entry in ClinVar:

NM_000486.6(AQP2):c.85G>A (p.Gly29Ser)

Gene: AQP2 (aquaporin 2; plus strand). Cytogenetic location: 12q13.12.
Variant type: single nucleotide variant.
Coding change: c.85G>A on transcript NM_000486.6 (MANE Select); coding-DNA position 85, G replaced by A.
Protein change: p.Gly29Ser; replaces glycine 29 with serine.
Molecular consequence: missense variant.
Genome position (GRCh38, 1-based): chr12:49,950,915, G>A. VCF-style: chr12-49950915-G-A. GRCh37 (hg19) VCF-style: chr12-50344698-G-A.
Other names: short protein forms G29S.
Identifiers: ClinVar variation 2060682 (VCV002060682.6), dbSNP rs964170650, ClinGen allele CA236731096.

ClinVar aggregate classification (germline): Conflicting classifications of pathogenicity. Review status: criteria provided, conflicting classifications (1 of 4 stars). 3 submissions from 3 submitters: Likely pathogenic (2); Uncertain significance (1). Last evaluated 2024-02-24.

Conditions:
Nephrogenic diabetes insipidus. Identifiers: Orphanet 223, MedGen C0162283, MONDO:0016383, HP:0009806.
Diabetes insipidus, nephrogenic, autosomal (NDI2). Also called: Nephrogenic Diabetes Insipidus, Type II; Diabetes insipidus, nephrogenic, 2, autosomal. Identifiers: Orphanet 223, MedGen C1563706, MONDO:0007451, OMIM 125800.

Allele frequency attached by ClinVar (database versions not stated): gnomAD exomes 0.00001; gnomAD 0.00002; TOPMed 0.00002.

Submissions (3):

Labcorp Genetics (formerly Invitae), Labcorp
Classification: Uncertain significance. Last evaluated: 2024-02-24. Review status: criteria provided, single submitter. Criteria: Invitae Variant Classification Sherloc (09022015). Collection method: clinical testing. Allele origin: germline.
Comment: This sequence change replaces glycine, which is neutral and non-polar, with serine, which is neutral and polar, at codon 29 of the AQP2 protein (p.Gly29Ser). This variant is present in population databases (no rsID available, gnomAD 0.01%). This missense change has been observed in individuals with autosomal recessive diabetes insipidus (PMID: 18473191, 23150186). ClinVar contains an entry for this variant (Variation ID: 2060682). Advanced modeling of protein sequence and biophysical properties (such as structural, functional, and spatial information, amino acid conservation, physicochemical variation, residue mobility, and thermodynamic stability) performed at Invitae indicates that this missense variant is not expected to disrupt AQP2 protein function with a negative predictive value of 80%. In summary, the available evidence is currently insufficient to determine the role of this variant in disease. Therefore, it has been classified as a Variant of Uncertain Significance.

Fulgent Genetics
Classification: Likely pathogenic for Diabetes insipidus, nephrogenic, autosomal. Last evaluated: 2024-01-30. Review status: criteria provided, single submitter. Criteria: ACMG Guidelines, 2015. Collection method: clinical testing. Allele origin: germline.

Women's Health and Genetics/Laboratory Corporation of America, LabCorp
Classification: Likely pathogenic for Nephrogenic diabetes insipidus. Last evaluated: 2023-05-10. Review status: criteria provided, single submitter. Criteria: LabCorp Variant Classification Summary - May 2015. Collection method: clinical testing. Allele origin: germline.
Comment: Variant summary: AQP2 c.85G>A (p.Gly29Ser) results in a non-conservative amino acid change in the encoded protein sequence. Four of five in-silico tools predict a damaging effect of the variant on protein function. The variant allele was found at a frequency of 2e-05 in 150986 control chromosomes (gnomAD v3.1.2). c.85G>A has been reported in the literature as a biallelic genotype in individuals affected with Nephrogenic Diabetes Insipidus (e.g. Sahakitrungruang_2008, Sasaki_2013). These data indicate that the variant is likely to be associated with disease. To our knowledge, no experimental evidence demonstrating an impact on protein function has been reported. The following publications have been ascertained in the context of this evaluation (PMID: 18473191, 23150186). One ClinVar submitter has assessed the variant since 2014: the variant was classified as uncertain significance. Based on the evidence outlined above, the variant was classified as likely pathogenic.

Literature cited by the submitters: PubMed 18473191 (cited by Labcorp Genetics (formerly Invitae), Labcorp and Women's Health and Genetics/Laboratory Corporation of America, LabCorp); PubMed 23150186 (cited by Labcorp Genetics (formerly Invitae), Labcorp and Women's Health and Genetics/Laboratory Corporation of America, LabCorp).